The following is an entry in ClinVar:

ClinVar aggregate classification (germline): Conflicting classifications of pathogenicity. Review status: criteria provided, conflicting classifications (1 of 4 stars). 2 submissions from 2 submitters: Uncertain significance (1); Likely benign (1). Last evaluated 2026-04-28.

Conditions:
Hereditary cancer-predisposing syndrome. Also called: Tumor predisposition; Hereditary neoplastic syndrome; Neoplastic Syndromes, Hereditary; Hereditary Cancer Syndrome. Identifiers: Orphanet 140162, MedGen C0027672, MeSH D009386, MONDO:0015356.
Neuroblastoma, susceptibility to, 3. Also called: ALK-Related Neuroblastic Tumor Susceptibility. Identifiers: Orphanet 635, MedGen C2751681, MONDO:0013083, OMIM 613014.

Submissions (2):

Ambry Genetics
Classification: Likely benign for Hereditary cancer-predisposing syndrome. Last evaluated: 2026-04-28. Review status: criteria provided, single submitter. Criteria: Ambry Variant Classification Scheme 2023. Collection method: clinical testing. Allele origin: germline.

Labcorp Genetics (formerly Invitae), Labcorp
Classification: Uncertain significance for Neuroblastoma, susceptibility to, 3. Last evaluated: 2022-03-05. Review status: criteria provided, single submitter. Criteria: Invitae Variant Classification Sherloc (09022015). Collection method: clinical testing. Allele origin: germline.
Comment: In summary, the available evidence is currently insufficient to determine the role of this variant in disease. Therefore, it has been classified as a Variant of Uncertain Significance. This sequence change replaces valine, which is neutral and non-polar, with alanine, which is neutral and non-polar, at codon 1545 of the ALK protein (p.Val1545Ala). This variant is not present in population databases (gnomAD no frequency). This variant has not been reported in the literature in individuals affected with ALK-related conditions. ClinVar contains an entry for this variant (Variation ID: 470880). Algorithms developed to predict the effect of missense changes on protein structure and function output the following: SIFT: "Tolerated"; PolyPhen-2: "Benign"; Align-GVGD: "Class C0". The alanine amino acid residue is found in multiple mammalian species, which suggests that this missense change does not adversely affect protein function.

NM_004304.5(ALK):c.4634T>C (p.Val1545Ala)

Gene: ALK (ALK receptor tyrosine kinase; minus strand). Cytogenetic location: 2p23.2.
Variant type: single nucleotide variant.
Coding change: c.4634T>C on transcript NM_004304.5 (MANE Select); coding-DNA position 4634, T replaced by C.
Protein change: p.Val1545Ala; replaces valine 1545 with alanine.
Molecular consequence: missense variant.
Genome position (GRCh38, 1-based): chr2:29,193,453, A>G on the plus strand (T>C on the coding strand, the complement: ALK is on the minus strand). VCF-style: chr2-29193453-A-G. GRCh37 (hg19) VCF-style: chr2-29416319-A-G.
Other names: c.1430T>C, p.Val477Ala (NM_001353765.2); short protein forms V1545A, V477A.
Identifiers: ClinVar variation 470880 (VCV000470880.9), dbSNP rs1553386918, ClinGen allele CA346460554.